The following is an entry in ClinVar:

ClinVar aggregate classification (germline): Pathogenic (1 of 4 stars; one submission).

Submission:

Ambry Genetics
Classification: Pathogenic. Last evaluated: 2026-06-02. Review status: criteria provided, single submitter. Criteria: Ambry Variant Classification Scheme 2023. Collection method: clinical testing. Allele origin: germline.
Comment: The p.Q125* variant (also known as c.373C>T), located in coding exon 1 of the MLH3 gene, results from a C to T substitution at nucleotide position 373. This changes the amino acid from a glutamine to a stop codon within coding exon 1. This variant is considered to be rare based on population cohorts in the Genome Aggregation Database (gnomAD). This alteration is expected to result in loss of function by premature protein truncation or nonsense-mediated mRNA decay. As such, this alteration is interpreted as a disease-causing mutation.

NM_001040108.2(MLH3):c.373C>T (p.Gln125Ter)

Gene: MLH3 (mutL homolog 3; minus strand). Cytogenetic location: 14q24.3.
Variant type: single nucleotide variant.
Coding change: c.373C>T on transcript NM_001040108.2 (MANE Select); coding-DNA position 373, C replaced by T.
Protein change: p.Gln125Ter; replaces glutamine 125 with a stop codon.
Molecular consequence: nonsense.
Genome position (GRCh38, 1-based): chr14:75,049,283, G>A on the plus strand (C>T on the coding strand, the complement: MLH3 is on the minus strand). VCF-style: chr14-75049283-G-A. GRCh37 (hg19) VCF-style: chr14-75515986-G-A.
Other names: c.373C>T, p.Gln125Ter (NM_014381.3); short protein forms Q125*.
Identifiers: ClinVar variation 4552060 (VCV004552060.2).